The following is an entry in ClinVar:

ClinVar aggregate classification (germline): Uncertain significance. Review status: criteria provided, multiple submitters, no conflicts (2 of 4 stars). 2 submissions from 2 submitters: Uncertain significance (2). Last evaluated 2021-04-14.

Allele frequency attached by ClinVar (database versions not stated): gnomAD exomes below 0.00001 and 0.00001; ExAC 0.00001.
gnomAD v4.1: 3 of 1,551,612 alleles (0.00019%); highest among the groups gnomAD compares: Non-Finnish European, 0.00026%; no homozygotes.

Submissions (2):

Blueprint Genetics
Classification: Uncertain significance. Last evaluated: 2021-04-14. Review status: criteria provided, single submitter. Criteria: ACMG Guidelines, 2015. Collection method: clinical testing. Allele origin: germline.

Labcorp Genetics (formerly Invitae), Labcorp
Classification: Uncertain significance. Last evaluated: 2021-04-02. Review status: criteria provided, single submitter. Criteria: Invitae Variant Classification Sherloc (09022015). Collection method: clinical testing. Allele origin: germline.
Comment: This sequence change replaces valine with alanine at codon 40 of the GNB3 protein (p.Val40Ala). The valine residue is moderately conserved and there is a small physicochemical difference between valine and alanine. This variant is present in population databases (rs782316369, ExAC 0.002%). This variant has not been reported in the literature in individuals with GNB3-related conditions. Algorithms developed to predict the effect of missense changes on protein structure and function output the following: SIFT: "Tolerated"; PolyPhen-2: "Benign"; Align-GVGD: "Class C0". The alanine amino acid residue is found in multiple mammalian species, suggesting that this missense change does not adversely affect protein function. These predictions have not been confirmed by published functional studies and their clinical significance is uncertain. In summary, the available evidence is currently insufficient to determine the role of this variant in disease. Therefore, it has been classified as a Variant of Uncertain Significance.

NM_002075.4(GNB3):c.119T>C (p.Val40Ala)

Gene: GNB3 (G protein subunit beta 3; plus strand). Cytogenetic location: 12p13.31.
Variant type: single nucleotide variant.
Coding change: c.119T>C on transcript NM_002075.4 (MANE Select); coding-DNA position 119, T replaced by C.
Protein change: p.Val40Ala; replaces valine 40 with alanine.
Molecular consequence: missense variant.
Genome position (GRCh38, 1-based): chr12:6,842,992, T>C. VCF-style: chr12-6842992-T-C. GRCh37 (hg19) VCF-style: chr12-6952156-T-C.
Other names: c.119T>C, p.Val40Ala (NM_001297571.2); short protein forms V40A.
Identifiers: ClinVar variation 1461987 (VCV001461987.9), dbSNP rs782316369, ClinGen allele CA6417418.
Genomic context (GRCh38, chr12:6,842,992, plus strand): 5'-CCTGCTCACCCTGATATTCAGTGCCCCTCTCTCTGCAGCTGGTGTCTGGCCTAGAGGTGG[T>C]GGGACGAGTCCAGATGCGGACGCGGCGGACGTTAAGGGGACACCTGGCCAAGATTTACGC-3'
Protein context (NP_002066.1, residues 30-50): LAELVSGLEV[Val40Ala]GRVQMRTRRT